The following is an entry in ClinVar:

ClinVar aggregate classification (germline): Pathogenic. Review status: criteria provided, multiple submitters, no conflicts (2 of 4 stars). 4 submissions from 4 submitters: Pathogenic (2). 2 of the submissions do not count toward it. Last evaluated 2026-02-10.

Conditions:
Pyruvate dehydrogenase E1-alpha deficiency (PDHAD). Also called: ATAXIA, INTERMITTENT, WITH ABNORMAL PYRUVATE METABOLISM; ATAXIA, INTERMITTENT, WITH PYRUVATE DEHYDROGENASE DEFICIENCY; ATAXIA WITH LACTIC ACIDOSIS I; Ataxia, intermittent, with pyruvate dehydrogenase, or decarboxylase, deficiency. Identifiers: Orphanet 79243, MedGen C1839413, MONDO:0010717, OMIM 312170.

Allele frequency attached by ClinVar (database versions not stated): gnomAD exomes below 0.00001.
gnomAD v4.1: 1 of 1,197,646 alleles (0.000083%); highest among the groups gnomAD compares: Non-Finnish European, 0.00011%; no homozygotes.

Submissions (4):

GeneDx
Classification: Pathogenic. Last evaluated: 2026-02-10. Review status: criteria provided, single submitter. Criteria: GeneDx Variant Classification Process June 2021. Collection method: clinical testing. Allele origin: germline. Affected: yes.
Comment: Published functional studies found this variant results in abnormal splicing with the incomplete inclusion of exon 5 (PMID: 18023225); Not observed at significant frequency in large population cohorts (gnomAD); In silico analysis supports a deleterious effect on splicing; This variant is associated with the following publications: (PMID: 20002461, 18023225, 28495245, 30634555, 38324470, 39720099, 21914562)

Rady Children's Institute for Genomic Medicine, Rady Children's Hospital San Diego
Classification: Pathogenic for Pyruvate dehydrogenase E1-alpha deficiency. Last evaluated: 2025-01-17. Review status: criteria provided, single submitter. Criteria: ACMG Guidelines, 2015. Collection method: clinical testing. Allele origin: germline. Affected: yes.
Comment: This variant results in a c.498C>T (p.Ile166=) change in an alternate transcript (NM_000284.3). Loss-of-function variation in PDHA1 is an established mechanism of disease (PMID: 20002461). This variant has been previously reported as a heterozygous and hemizygous change in patients with pyruvate dehydrogenase E1-alpha deficiency, including as a de novo event (PMID: 18023225, 20002461, 30634555, 28495245). Analysis of RNA from patient-derived fibroblasts demonstrated that the c.612C>T (p.Ile204=) variant resulted in skipping of PDHA1 exon 6 of 12 (exon 5 of 11 in NM_000284.3). The variant transcript contained a premature termination codon and was degraded by nonsense-mediated decay (PMID: 18023225). In addition, biochemical studies from reported patients indicate this variant may lead to reduced pyruvate dehydrogenase complex activity (PMID: 18023225, 20002461). The c.612C>T (p.Ile204=) variant is present in the latest version of the gnomAD population database at an allele frequency of 0.00008% (1/1197646) and thus is presumed to be rare. Based on parental analysis, this variant likely occurred as a de novo event. Based on the available evidence, c.612C>T (p.Ile204=) is classified as Pathogenic.

PDHA1 Study Group, University Children’s Hospital, Paracelsus Medical University
Classification: Pathogenic for Pyruvate dehydrogenase E1-alpha deficiency. Last evaluated: 2024-10-15. Review status: no assertion criteria provided. Collection method: research. Allele origin: de novo. Affected: yes. Observed: 7 variant alleles. Not counted in ClinVar's aggregate classification.
Comment: The NM_000284.3:c.498C>T (p.?) variant affects splicing in PDHA1 gene. In total, 7 individuals are diagnosed with PDHA1-related Pyruvate dehydrogenase complex (PDHc) deficiency (MIM #312170). These include 1 male and 6 females. Among them, 4 cases have confirmed de novo occurrence. The variant has been reported in 5 published cases (PMIDs: 18023225, 21914562, 28495245, 30634555, 20002461). Additional 2 unpublished cases from internal data are included. Last literature search: July 12, 2024. This variant is absent or extremely rare in population-based cohorts in the Genome Aggregation Database (gnomAD). Individuals harboring this variant present with clinical features compatible with PDHA1-related PDHc deficiency. In summary, this variant meets criteria to be classified as pathogenic (P) for PDHA1-related PDHc deficiency based on the ACMG/AMP criteria applied: PS2, PS3, PM2, PM7, PP3, BP4, BP7 (last assessment October 15, 2024).

Center for Molecular Medicine, Children’s Hospital of Fudan University
Classification: Pathogenic for Pyruvate dehydrogenase E1-alpha deficiency. Last evaluated: 2022-02-08. Review status: no assertion criteria provided. Collection method: clinical testing. Allele origin: unknown. Affected: yes. Not counted in ClinVar's aggregate classification.

Literature cited by the submitters: PubMed 8023225 (cited by Rady Children's Institute for Genomic Medicine, Rady Children's Hospital San Diego); PubMed 20002461 (cited by Rady Children's Institute for Genomic Medicine, Rady Children's Hospital San Diego and PDHA1 Study Group, University Children’s Hospital, Paracelsus Medical University); PubMed 30634555 (cited by Rady Children's Institute for Genomic Medicine, Rady Children's Hospital San Diego and PDHA1 Study Group, University Children’s Hospital, Paracelsus Medical University); PubMed 28495245 (cited by Rady Children's Institute for Genomic Medicine, Rady Children's Hospital San Diego and PDHA1 Study Group, University Children’s Hospital, Paracelsus Medical University); PubMed 18023225 (cited by PDHA1 Study Group, University Children’s Hospital, Paracelsus Medical University and Center for Molecular Medicine, Children’s Hospital of Fudan University); PubMed 21914562 (cited by PDHA1 Study Group, University Children’s Hospital, Paracelsus Medical University); DOI 10.1093/brain/awaf430 (cited by PDHA1 Study Group, University Children’s Hospital, Paracelsus Medical University).

NM_000284.4(PDHA1):c.498C>T (p.Ile166=)

Gene: PDHA1 (pyruvate dehydrogenase E1 subunit alpha 1; plus strand). Cytogenetic location: Xp22.12.
Variant type: single nucleotide variant.
Coding change: c.498C>T on transcript NM_000284.4 (MANE Select); coding-DNA position 498, C replaced by T.
Protein change: p.Ile166=; no amino-acid change (isoleucine 166 retained).
Molecular consequence: synonymous variant.
Genome position (GRCh38, 1-based): chrX:19,353,161, C>T. VCF-style: chrX-19353161-C-T. GRCh37 (hg19) VCF-style: chrX-19371279-C-T.
Other names: c.612C>T, p.Ile204= (NM_001173454.2); c.519C>T, p.Ile173= (NM_001173455.2); c.498C>T, p.Ile166= (NM_001173456.2); c.612C>T (NM_001173454.1).
Identifiers: ClinVar variation 1188095 (VCV001188095.11), dbSNP rs2147178249, ClinGen allele CA515485902.